The following is an entry in ClinVar:

ClinVar aggregate classification (germline): Conflicting classifications of pathogenicity. Review status: criteria provided, conflicting classifications (1 of 4 stars). 4 submissions from 4 submitters: Uncertain significance (1); Benign (1); Likely benign (1). 1 of the submissions does not count toward it. Last evaluated 2025-11-28.

Conditions:
NEXMIF-related disorder. Also called: NEXMIF-related condition.

Allele frequency attached by ClinVar (database versions not stated): gnomAD 0.00006; gnomAD exomes 0.00008 and 0.00016; TOPMed 0.00009; ExAC 0.00011.
gnomAD v4.1: 95 of 1,209,068 alleles (0.0079%); highest among the groups gnomAD compares: Non-Finnish European, 0.0019%; 1 homozygote.

Submissions (4):

Labcorp Genetics (formerly Invitae), Labcorp
Classification: Benign. Last evaluated: 2025-11-28. Review status: criteria provided, single submitter. Criteria: Invitae Variant Classification Sherloc (09022015). Collection method: clinical testing. Allele origin: germline.

GeneDx
Classification: Likely benign. Last evaluated: 2021-02-22. Review status: criteria provided, single submitter. Criteria: GeneDx Variant Classification Process June 2021. Collection method: clinical testing. Allele origin: germline. Affected: yes.
Comment: In silico analysis supports that this missense variant has a deleterious effect on protein structure/function; Has not been previously published as pathogenic or benign to our knowledge; This variant is associated with the following publications: (PMID: 27358180)

Genetic Services Laboratory, University of Chicago
Classification: Uncertain significance. Last evaluated: 2016-03-17. Review status: criteria provided, single submitter. Criteria: ACMG Guidelines, 2015. Collection method: clinical testing. Allele origin: germline. Affected: no.

PreventionGenetics, part of Exact Sciences
Classification: Likely benign for NEXMIF-related condition. Last evaluated: 2021-08-25. Review status: no assertion criteria provided. Collection method: clinical testing. Allele origin: germline. Not counted in ClinVar's aggregate classification.
Comment: This variant is classified as likely benign based on ACMG/AMP sequence variant interpretation guidelines (Richards et al. 2015 PMID: 25741868, with internal and published modifications).

NM_001008537.3(NEXMIF):c.3386T>G (p.Phe1129Cys)

Gene: NEXMIF (neurite extension and migration factor; minus strand). Cytogenetic location: Xq13.3.
Variant type: single nucleotide variant.
Coding change: c.3386T>G on transcript NM_001008537.3 (MANE Select); coding-DNA position 3386, T replaced by G.
Protein change: p.Phe1129Cys; replaces phenylalanine 1129 with cysteine.
Molecular consequence: missense variant.
Genome position (GRCh38, 1-based): chrX:74,741,171, A>C on the plus strand (T>G on the coding strand, the complement: NEXMIF is on the minus strand). VCF-style: chrX-74741171-A-C. GRCh37 (hg19) VCF-style: chrX-73961006-A-C.
Other names: short protein forms F1129C.
Identifiers: ClinVar variation 435595 (VCV000435595.18), dbSNP rs202207238, ClinGen allele CA10454949.